The following is an entry in ClinVar:

ClinVar aggregate classification (germline): Uncertain significance (1 of 4 stars; one submission).

Conditions:
Hereditary breast ovarian cancer syndrome. Also called: Hereditary breast and ovarian cancer syndrome; Hereditary breast and ovarian cancer; BRCA1- and BRCA2-Associated Hereditary Breast and Ovarian Cancer; Hereditary breast and/or ovarian cancer syndrome; Breast and ovarian cancer; Hereditary breast and ovarian cancer syndrome (HBOC). Identifiers: Orphanet 145, MedGen C0677776, MeSH D061325, MONDO:0003582. Disease mechanism: loss of function.

Submission:

Labcorp Genetics (formerly Invitae), Labcorp
Classification: Uncertain significance for Hereditary breast ovarian cancer syndrome. Last evaluated: 2023-05-22. Review status: criteria provided, single submitter. Criteria: Invitae Variant Classification Sherloc (09022015). Collection method: clinical testing. Allele origin: germline.
Comment: Advanced modeling of protein sequence and biophysical properties (such as structural, functional, and spatial information, amino acid conservation, physicochemical variation, residue mobility, and thermodynamic stability) performed at Invitae indicates that this missense variant is not expected to disrupt BRCA1 protein function. In summary, the available evidence is currently insufficient to determine the role of this variant in disease. Therefore, it has been classified as a Variant of Uncertain Significance. This variant has not been reported in the literature in individuals affected with BRCA1-related conditions. This sequence change replaces asparagine, which is neutral and polar, with serine, which is neutral and polar, at codon 306 of the BRCA1 protein (p.Asn306Ser). This variant is not present in population databases (gnomAD no frequency).

NM_007294.4(BRCA1):c.917A>G (p.Asn306Ser)

Gene: BRCA1 (BRCA1 DNA repair associated; minus strand). Cytogenetic location: 17q21.31.
Variant type: single nucleotide variant.
Coding change: c.917A>G on transcript NM_007294.4 (MANE Select); coding-DNA position 917, A replaced by G.
Protein change: p.Asn306Ser; replaces asparagine 306 with serine.
Molecular consequence: missense variant. On other transcripts: intron variant (137).
Genome position (GRCh38, 1-based): chr17:43,094,614, T>C on the plus strand (A>G on the coding strand, the complement: BRCA1 is on the minus strand). VCF-style: chr17-43094614-T-C. GRCh37 (hg19) VCF-style: chr17-41246631-T-C.
Other names: c.704A>G, p.Asn235Ser (NM_001407571.1, NM_001407853.1, NM_001407894.1 and 9 more transcripts); c.917A>G, p.Asn306Ser (NM_001407581.1, NM_001407582.1, NM_001407583.1 and 30 more transcripts); c.914A>G, p.Asn305Ser (NM_001407587.1, NM_001407590.1, NM_001407591.1 and 22 more transcripts); c.908A>G, p.Asn303Ser (NM_001407646.1, NM_001407647.1); c.794A>G, p.Asn265Ser (NM_001407648.1, NM_001407664.1, NM_001407665.1 and 19 more transcripts); c.791A>G, p.Asn264Ser (NM_001407649.1, NM_001407670.1, NM_001407671.1 and 11 more transcripts); c.839A>G, p.Asn280Ser (NM_001407653.1, NM_001407654.1, NM_001407655.1 and 4 more transcripts); c.836A>G, p.Asn279Ser (NM_001407659.1, NM_001407660.1, NM_001407661.1 and 1 more transcripts); and 40 more; short protein forms N217S, N239S, N264S, N279S, N280S, N138S, N195S, N218S.
Identifiers: ClinVar variation 2866882 (VCV002866882.3), dbSNP rs2154485439, ClinGen allele CA10600236.
Genomic context (GRCh38, chr17:43,094,614, plus strand): 5'-TCCTTACTTCCAGCCCATCTGTTATGTTGGCTCCTTGCTAAGCCAGGCTGTTTGCTTTTA[T>C]TACAGAATTCAGCCTTTTCTACATTCATTCTGTCTTTAGTGAGTAATAAACTGCTGTTCT-3'
Protein context (NP_009225.1, residues 296-316): RMNVEKAEFC[Asn306Ser]KSKQPGLARS